The following is an entry in ClinVar:

ClinVar aggregate classification (germline): Uncertain significance (1 of 4 stars; one submission).

Conditions:
Cohen syndrome (COH1). Also called: PEPPER SYNDROME; Cutis verticis gyrata, retinitis pigmentosa, and sensorineural deafness. Identifiers: Orphanet 193, MedGen C0265223, MONDO:0008999, OMIM 216550.

Submission:

Labcorp Genetics (formerly Invitae), Labcorp
Classification: Uncertain significance for Cohen syndrome. Last evaluated: 2023-11-28. Review status: criteria provided, single submitter. Criteria: Invitae Variant Classification Sherloc (09022015). Collection method: clinical testing. Allele origin: germline.
Comment: This sequence change replaces alanine, which is neutral and non-polar, with serine, which is neutral and polar, at codon 3204 of the VPS13B protein (p.Ala3204Ser). This variant is not present in population databases (gnomAD no frequency). This variant has not been reported in the literature in individuals affected with VPS13B-related conditions. ClinVar contains an entry for this variant (Variation ID: 1389352). Advanced modeling of protein sequence and biophysical properties (such as structural, functional, and spatial information, amino acid conservation, physicochemical variation, residue mobility, and thermodynamic stability) performed at Invitae indicates that this missense variant is expected to disrupt VPS13B protein function with a positive predictive value of 80%. In summary, the available evidence is currently insufficient to determine the role of this variant in disease. Therefore, it has been classified as a Variant of Uncertain Significance.

NM_152564.5(VPS13B):c.9535G>T (p.Ala3179Ser)

Gene: VPS13B (vacuolar protein sorting 13 homolog B; plus strand). Cytogenetic location: 8q22.2.
Variant type: single nucleotide variant.
Coding change: c.9535G>T on transcript NM_152564.5 (MANE Select); coding-DNA position 9535, G replaced by T.
Protein change: p.Ala3179Ser; replaces alanine 3179 with serine.
Molecular consequence: missense variant.
Genome position (GRCh38, 1-based): chr8:99,832,573, G>T. VCF-style: chr8-99832573-G-T. GRCh37 (hg19) VCF-style: chr8-100844801-G-T.
Other names: c.9610G>T, p.Ala3204Ser (NM_017890.5); short protein forms A3179S, A3204S.
Identifiers: ClinVar variation 1389352 (VCV001389352.8), dbSNP rs2130858328, ClinGen allele CA371781852.
Genomic context (GRCh38, chr8:99,832,573, plus strand): 5'-ATCATGCTGGGCTTTTCTCCTGCCCCAGGTGCTGACAGCTCACAGTGCTGGAGCCTGCCA[G>T]CTATAGTTAGACCAGAGTTTCCCAGACAGAGTGTGGCAGTACCCCTCGGGAATTTCCGGG-3'
Protein context (NP_689777.3, residues 3169-3189): ADSSQCWSLP[Ala3179Ser]IVRPEFPRQS